The following is an entry in ClinVar:

ClinVar aggregate classification (germline): Likely pathogenic (1 of 4 stars; one submission).

Submission:

Labcorp Genetics (formerly Invitae), Labcorp
Classification: Likely pathogenic. Last evaluated: 2026-01-19. Review status: criteria provided, single submitter. Criteria: Invitae Variant Classification Sherloc (09022015). Collection method: clinical testing. Allele origin: germline.
Comment: This sequence change affects an acceptor splice site in intron 21 of the FLNB gene. It is expected to disrupt RNA splicing. Variants that disrupt the donor or acceptor splice site typically lead to a loss of protein function (PMID: 16199547), and loss-of-function variants in FLNB are known to be pathogenic (PMID: 14991055). This variant is present in population databases (rs772721081, gnomAD 0.0009%). This variant has not been reported in the literature in individuals affected with FLNB-related conditions. Algorithms developed to predict the effect of sequence changes on RNA splicing suggest that this variant may disrupt the consensus splice site. In summary, the currently available evidence indicates that the variant is pathogenic, but additional data are needed to prove that conclusively. Therefore, this variant has been classified as Likely Pathogenic.

Literature cited by the submitters: PubMed 16199547; PubMed 14991055.

NM_001457.4(FLNB):c.3725-2A>G

Gene: FLNB (filamin B; plus strand). Cytogenetic location: 3p14.3.
Variant type: single nucleotide variant.
Coding change: c.3725-2A>G on transcript NM_001457.4 (MANE Select); the canonical splice acceptor site of the intron before coding-DNA position 3725, A replaced by G.
Molecular consequence: splice acceptor variant.
Genome position (GRCh38, 1-based): chr3:58,124,330, A>G. VCF-style: chr3-58124330-A-G. GRCh37 (hg19) VCF-style: chr3-58110057-A-G.
Other names: c.3725-2A>G (NM_001164317.2, NM_001164318.2, NM_001164319.2).
Identifiers: ClinVar variation 4735349 (VCV004735349.1).